The following is an entry in ClinVar:

NM_013266.4(CTNNA3):c.1700T>C (p.Val567Ala)

Gene: CTNNA3 (catenin alpha 3; minus strand). Cytogenetic location: 10q21.3.
Variant type: single nucleotide variant.
Coding change: c.1700T>C on transcript NM_013266.4 (MANE Select); coding-DNA position 1700, T replaced by C.
Protein change: p.Val567Ala; replaces valine 567 with alanine.
Molecular consequence: missense variant.
Genome position (GRCh38, 1-based): chr10:66,379,184, A>G on the plus strand (T>C on the coding strand, the complement: CTNNA3 is on the minus strand). VCF-style: chr10-66379184-A-G. GRCh37 (hg19) VCF-style: chr10-68138942-A-G.
Other names: c.1700T>C, p.Val567Ala (NM_001127384.3); short protein forms V567A.
Identifiers: ClinVar variation 2497547 (VCV002497547.7), dbSNP rs146096912, ClinGen allele CA5519852.

ClinVar aggregate classification (germline): Uncertain significance. Review status: criteria provided, multiple submitters, no conflicts (2 of 4 stars). 2 submissions from 2 submitters: Uncertain significance (2). Last evaluated 2025-11-25.

Conditions:
Arrhythmogenic right ventricular dysplasia 13. Also called: ARRHYTHMOGENIC RIGHT VENTRICULAR CARDIOMYOPATHY 13; Arrhythmogenic right ventricular dysplasia, familial, 13. Identifiers: MedGen C3810138, MONDO:0000908, OMIM 615616.

Allele frequency attached by ClinVar (database versions not stated): gnomAD exomes below 0.00001; ExAC 0.00001; gnomAD 0.00006; ESP Exome Variant Server 0.00008; TOPMed 0.00009.
gnomAD v4.1: 12 of 1,613,982 alleles (0.00074%); highest among the groups gnomAD compares: African/African-American, 0.016%; no homozygotes.

Submissions (2):

Ambry Genetics
Classification: Uncertain significance. Last evaluated: 2025-11-25. Review status: criteria provided, single submitter. Criteria: Ambry Variant Classification Scheme 2023. Collection method: clinical testing. Allele origin: germline.

Labcorp Genetics (formerly Invitae), Labcorp
Classification: Uncertain significance for Arrhythmogenic right ventricular dysplasia 13. Last evaluated: 2023-12-23. Review status: criteria provided, single submitter. Criteria: Invitae Variant Classification Sherloc (09022015). Collection method: clinical testing. Allele origin: germline.
Comment: This sequence change replaces valine, which is neutral and non-polar, with alanine, which is neutral and non-polar, at codon 567 of the CTNNA3 protein (p.Val567Ala). This variant is present in population databases (rs146096912, gnomAD 0.01%). This variant has not been reported in the literature in individuals affected with CTNNA3-related conditions. ClinVar contains an entry for this variant (Variation ID: 2497547). Advanced modeling of protein sequence and biophysical properties (such as structural, functional, and spatial information, amino acid conservation, physicochemical variation, residue mobility, and thermodynamic stability) performed at Invitae indicates that this missense variant is expected to disrupt CTNNA3 protein function with a positive predictive value of 80%. In summary, the available evidence is currently insufficient to determine the role of this variant in disease. Therefore, it has been classified as a Variant of Uncertain Significance.